The following is an entry in ClinVar:

ClinVar aggregate classification (germline): Likely pathogenic (1 of 4 stars; one submission).

Conditions:
Rafiq syndrome (RAFQS). Identifiers: Orphanet 88616, MedGen C3280127, MONDO:0013624, OMIM 614202.

gnomAD v4.1: 2 of 1,552,596 alleles (0.00013%); highest among the groups gnomAD compares: Non-Finnish European, 0.00017%; no homozygotes.

Submission:

Labcorp Genetics (formerly Invitae), Labcorp
Classification: Likely pathogenic for Rafiq syndrome. Last evaluated: 2024-06-22. Review status: criteria provided, single submitter. Criteria: Invitae Variant Classification Sherloc (09022015). Collection method: clinical testing. Allele origin: germline.
Comment: This sequence change affects a donor splice site in intron 5 of the MAN1B1 gene. It is expected to disrupt RNA splicing. Variants that disrupt the donor or acceptor splice site typically lead to a loss of protein function (PMID: 16199547), and loss-of-function variants in MAN1B1 are known to be pathogenic (PMID: 24566669). This variant is not present in population databases (gnomAD no frequency). This variant has not been reported in the literature in individuals affected with MAN1B1-related conditions. Algorithms developed to predict the effect of sequence changes on RNA splicing suggest that this variant may disrupt the consensus splice site. In summary, the currently available evidence indicates that the variant is pathogenic, but additional data are needed to prove that conclusively. Therefore, this variant has been classified as Likely Pathogenic.

Literature cited by the submitters: PubMed 16199547; PubMed 24566669.

NM_016219.5(MAN1B1):c.730+1G>A

Gene: MAN1B1 (mannosidase alpha class 1B member 1; plus strand). Cytogenetic location: 9q34.3.
Variant type: single nucleotide variant.
Coding change: c.730+1G>A on transcript NM_016219.5 (MANE Select); the canonical splice donor site of the intron after coding-DNA position 730, G replaced by A.
Molecular consequence: splice donor variant.
Genome position (GRCh38, 1-based): chr9:137,097,938, G>A. VCF-style: chr9-137097938-G-A. GRCh37 (hg19) VCF-style: chr9-139992390-G-A.
Identifiers: ClinVar variation 3699421 (VCV003699421.2).